The following is an entry in ClinVar:

NM_004304.5(ALK):c.737C>G (p.Thr246Ser)

Gene: ALK (ALK receptor tyrosine kinase; minus strand). Cytogenetic location: 2p23.2.
Variant type: single nucleotide variant.
Coding change: c.737C>G on transcript NM_004304.5 (MANE Select); coding-DNA position 737, C replaced by G.
Protein change: p.Thr246Ser; replaces threonine 246 with serine.
Molecular consequence: missense variant.
Genome position (GRCh38, 1-based): chr2:29,717,628, G>C on the plus strand (C>G on the coding strand, the complement: ALK is on the minus strand). VCF-style: chr2-29717628-G-C. GRCh37 (hg19) VCF-style: chr2-29940494-G-C.
Other names: short protein forms T246S.
Identifiers: ClinVar variation 3692508 (VCV003692508.2).

ClinVar aggregate classification (germline): Uncertain significance (1 of 4 stars; one submission).

Conditions:
Neuroblastoma, susceptibility to, 3. Also called: ALK-Related Neuroblastic Tumor Susceptibility. Identifiers: Orphanet 635, MedGen C2751681, MONDO:0013083, OMIM 613014.

Submission:

Labcorp Genetics (formerly Invitae), Labcorp
Classification: Uncertain significance for Neuroblastoma, susceptibility to, 3. Last evaluated: 2024-08-04. Review status: criteria provided, single submitter. Criteria: Invitae Variant Classification Sherloc (09022015). Collection method: clinical testing. Allele origin: germline.
Comment: This sequence change replaces threonine, which is neutral and polar, with serine, which is neutral and polar, at codon 246 of the ALK protein (p.Thr246Ser). This variant is not present in population databases (gnomAD no frequency). This variant has not been reported in the literature in individuals affected with ALK-related conditions. An algorithm developed to predict the effect of missense changes on protein structure and function (PolyPhen-2) suggests that this variant is likely to be tolerated. In summary, the available evidence is currently insufficient to determine the role of this variant in disease. Therefore, it has been classified as a Variant of Uncertain Significance.